The following is an entry in ClinVar:

ClinVar aggregate classification (germline): Uncertain significance. Review status: criteria provided, multiple submitters, no conflicts (2 of 4 stars). 2 submissions from 2 submitters: Uncertain significance (2). Last evaluated 2025-03-29.

Conditions:
Tumor predisposition syndrome 3 (TPDS3). Also called: Melanoma, cutaneous malignant, susceptibility to, 10; Glioma susceptibility 9; LONG TELOMERE SYNDROME, POT1-RELATED; POT1 Tumor Predisposition. Identifiers: Orphanet 618, MedGen C4014476, MONDO:0014368, OMIM 615848.
Hereditary cancer-predisposing syndrome. Also called: Neoplastic Syndromes, Hereditary; Hereditary Cancer Syndrome; Hereditary neoplastic syndrome; Tumor predisposition. Identifiers: Orphanet 140162, MedGen C0027672, MeSH D009386, MONDO:0015356.

Submissions (2):

Ambry Genetics
Classification: Uncertain significance for Hereditary cancer-predisposing syndrome. Last evaluated: 2025-03-29. Review status: criteria provided, single submitter. Criteria: Ambry Variant Classification Scheme 2023. Collection method: clinical testing. Allele origin: germline.
Comment: The p.Q580H variant (also known as c.1740G>T), located in coding exon 14 of the POT1 gene, results from a G to T substitution at nucleotide position 1740. The glutamine at codon 580 is replaced by histidine, an amino acid with highly similar properties. This amino acid position is conserved. In addition, the in silico prediction for this alteration is inconclusive. Based on the available evidence, the clinical significance of this variant remains unclear.

Labcorp Genetics (formerly Invitae), Labcorp
Classification: Uncertain significance for Tumor predisposition syndrome 3. Last evaluated: 2024-05-27. Review status: criteria provided, single submitter. Criteria: Invitae Variant Classification Sherloc (09022015). Collection method: clinical testing. Allele origin: germline.
Comment: This sequence change replaces glutamine, which is neutral and polar, with histidine, which is basic and polar, at codon 580 of the POT1 protein (p.Gln580His). This variant is not present in population databases (gnomAD no frequency). This variant has not been reported in the literature in individuals affected with POT1-related conditions. Advanced modeling of protein sequence and biophysical properties (such as structural, functional, and spatial information, amino acid conservation, physicochemical variation, residue mobility, and thermodynamic stability) performed at Invitae indicates that this missense variant is not expected to disrupt POT1 protein function with a negative predictive value of 80%. In summary, the available evidence is currently insufficient to determine the role of this variant in disease. Therefore, it has been classified as a Variant of Uncertain Significance.

NM_015450.3(POT1):c.1740G>T (p.Gln580His)

Gene: POT1 (protection of telomeres 1; minus strand). Cytogenetic location: 7q31.33.
Variant type: single nucleotide variant.
Coding change: c.1740G>T on transcript NM_015450.3 (MANE Select); coding-DNA position 1740, G replaced by T.
Protein change: p.Gln580His; replaces glutamine 580 with histidine.
Molecular consequence: missense variant. On other transcripts: non-coding transcript variant (3).
Genome position (GRCh38, 1-based): chr7:124,825,304, C>A on the plus strand (G>T on the coding strand, the complement: POT1 is on the minus strand). VCF-style: chr7-124825304-C-A. GRCh37 (hg19) VCF-style: chr7-124465358-C-A.
Other names: c.1347G>T, p.Gln449His (NM_001042594.2); c.1740G>T (NM_015450.2); short protein forms Q580H, Q449H.
Identifiers: ClinVar variation 2994604 (VCV002994604.4), dbSNP rs2485338166, ClinGen allele CA369062333.